The following is an entry in ClinVar:

ClinVar aggregate classification (germline): Likely benign (1 of 4 stars; one submission).

Allele frequency attached by ClinVar (database versions not stated): ExAC 0.00260; gnomAD exomes 0.00297; 1000 Genomes Project 30x 0.00328; ESP Exome Variant Server 0.00338; 1000 Genomes Project 0.00339; gnomAD 0.00391; TOPMed 0.00417.

Submission:

CeGaT Center for Human Genetics Tuebingen
Classification: Likely benign. Last evaluated: 2023-01-01. Review status: criteria provided, single submitter. Criteria: CeGaT Center For Human Genetics Tuebingen Variant Classification Criteria Version 2. Collection method: clinical testing. Allele origin: germline. Affected: yes. Observed: 2 variant alleles.
Comment: MRNIP: BS2

NM_016175.4(MRNIP):c.112C>T (p.Gln38Ter)

Gene: MRNIP (MRN complex interacting protein; minus strand). Cytogenetic location: 5q35.3.
Variant type: single nucleotide variant.
Coding change: c.112C>T on transcript NM_016175.4 (MANE Select); coding-DNA position 112, C replaced by T.
Protein change: p.Gln38Ter; replaces glutamine 38 with a stop codon.
Molecular consequence: nonsense.
Genome position (GRCh38, 1-based): chr5:179,853,392, G>A on the plus strand (C>T on the coding strand, the complement: MRNIP is on the minus strand). VCF-style: chr5-179853392-G-A. GRCh37 (hg19) VCF-style: chr5-179280392-G-A.
Other names: c.112C>T, p.Gln38Ter (NM_001017987.3); short protein forms Q38*.
Identifiers: ClinVar variation 2656140 (VCV002656140.24), dbSNP rs112867427, ClinGen allele CA3601355.
Genomic context (GRCh38, chr5:179,853,392, plus strand): 5'-CGCTGCAGGCCTGCGCCCCACTTGCTTTCTGTTTTGTAGGACTCACCTGCAAAAAGGACT[G>A]CTTCTCTCCACAAGCTTTGCATGTCCACTTGACACTCTTTTTTACCTGCAATGAAATTTC-3'